The following is an entry in ClinVar:

NM_002439.5(MSH3):c.940G>C (p.Ala314Pro)

Genes: MSH3 (mutS homolog 3; plus strand), LOC126807437 (MED14-independent group 3 enhancer GRCh37_chr5:79968379-79969578; plus strand). Cytogenetic location: 5q14.1.
Variant type: single nucleotide variant.
Coding change: c.940G>C on transcript NM_002439.5 (MANE Select); coding-DNA position 940, G replaced by C.
Protein change: p.Ala314Pro; replaces alanine 314 with proline.
Molecular consequence: missense variant.
Genome position (GRCh38, 1-based): chr5:80,672,771, G>C. VCF-style: chr5-80672771-G-C. GRCh37 (hg19) VCF-style: chr5-79968590-G-C.
Other names: c.940G>C (NM_002439.3); short protein forms A314P.
Identifiers: ClinVar variation 1433462 (VCV001433462.9), dbSNP rs2112814259, ClinGen allele CA360267379.

ClinVar aggregate classification (germline): Uncertain significance. Review status: criteria provided, multiple submitters, no conflicts (2 of 4 stars). 2 submissions from 2 submitters: Uncertain significance (2). Last evaluated 2025-08-24.

Conditions:
Hereditary cancer-predisposing syndrome. Also called: Hereditary Cancer Syndrome; Hereditary neoplastic syndrome; Neoplastic Syndromes, Hereditary; Tumor predisposition. Identifiers: Orphanet 140162, MedGen C0027672, MeSH D009386, MONDO:0015356.

Submissions (2):

Labcorp Genetics (formerly Invitae), Labcorp
Classification: Uncertain significance. Last evaluated: 2025-08-24. Review status: criteria provided, single submitter. Criteria: Invitae Variant Classification Sherloc (09022015). Collection method: clinical testing. Allele origin: germline.
Comment: This sequence change replaces alanine, which is neutral and non-polar, with proline, which is neutral and non-polar, at codon 314 of the MSH3 protein (p.Ala314Pro). This variant is not present in population databases (gnomAD no frequency). This variant has not been reported in the literature in individuals affected with MSH3-related conditions. ClinVar contains an entry for this variant (Variation ID: 1433462). An algorithm developed to predict the effect of missense changes on protein structure and function (PolyPhen-2) suggests that this variant is likely to be disruptive. In summary, the available evidence is currently insufficient to determine the role of this variant in disease. Therefore, it has been classified as a Variant of Uncertain Significance.

Ambry Genetics
Classification: Uncertain significance for Hereditary cancer-predisposing syndrome. Last evaluated: 2024-07-24. Review status: criteria provided, single submitter. Criteria: Ambry Variant Classification Scheme 2023. Collection method: clinical testing. Allele origin: germline.
Comment: The p.A314P variant (also known as c.940G>C), located in coding exon 6 of the MSH3 gene, results from a G to C substitution at nucleotide position 940. The alanine at codon 314 is replaced by proline, an amino acid with highly similar properties. This amino acid position is conserved. In addition, this alteration is predicted to be deleterious by in silico analysis. Based on the available evidence, the clinical significance of this variant remains unclear.